The following is an entry in ClinVar:

ClinVar aggregate classification (germline): Uncertain significance. Review status: criteria provided, multiple submitters, no conflicts (2 of 4 stars). 2 submissions from 2 submitters: Uncertain significance (2). Last evaluated 2023-11-27.

Conditions:
Inborn genetic diseases. Identifiers: MedGen C0950123, MeSH D030342.

Allele frequency attached by ClinVar (database versions not stated): gnomAD exomes 0.00004 and 0.00005; TOPMed 0.00004; gnomAD 0.00005; ExAC 0.00006; ESP Exome Variant Server 0.00008.
gnomAD v4.1: 80 of 1,613,870 alleles (0.005%); highest among the groups gnomAD compares: Non-Finnish European, 0.0066%; no homozygotes.

Submissions (2):

Labcorp Genetics (formerly Invitae), Labcorp
Classification: Uncertain significance. Last evaluated: 2023-11-27. Review status: criteria provided, single submitter. Criteria: Invitae Variant Classification Sherloc (09022015). Collection method: clinical testing. Allele origin: germline.
Comment: This sequence change replaces histidine, which is basic and polar, with proline, which is neutral and non-polar, at codon 230 of the KIAA1549 protein (p.His230Pro). This variant is present in population databases (rs377268089, gnomAD 0.009%). This variant has not been reported in the literature in individuals affected with KIAA1549-related conditions. ClinVar contains an entry for this variant (Variation ID: 1463909). An algorithm developed to predict the effect of missense changes on protein structure and function (PolyPhen-2) suggests that this variant¬†is likely to be tolerated. In summary, the available evidence is currently insufficient to determine the role of this variant in disease. Therefore, it has been classified as a Variant of Uncertain Significance.

Ambry Genetics
Classification: Uncertain significance for Inborn genetic diseases. Last evaluated: 2022-05-27. Review status: criteria provided, single submitter. Criteria: Ambry Variant Classification Scheme 2023. Collection method: clinical testing. Allele origin: germline.

NM_001164665.2(KIAA1549):c.689A>C (p.His230Pro)

Gene: KIAA1549 (KIAA1549; minus strand). Cytogenetic location: 7q34.
Variant type: single nucleotide variant.
Coding change: c.689A>C on transcript NM_001164665.2 (MANE Select); coding-DNA position 689, A replaced by C.
Protein change: p.His230Pro; replaces histidine 230 with proline.
Molecular consequence: missense variant.
Genome position (GRCh38, 1-based): chr7:138,918,937, T>G on the plus strand (A>C on the coding strand, the complement: KIAA1549 is on the minus strand). VCF-style: chr7-138918937-T-G. GRCh37 (hg19) VCF-style: chr7-138603683-T-G.
Other names: c.689A>C, p.His230Pro (NM_020910.3); c.689A>C (NM_001164665.1); short protein forms H230P.
Identifiers: ClinVar variation 1463909 (VCV001463909.6), dbSNP rs377268089, ClinGen allele CA4506890.